The following is an entry in ClinVar:

ClinVar aggregate classification (germline): Likely benign. Review status: reviewed by expert panel (3 of 4 stars). 12 submissions from 11 submitters: Likely benign (1). 11 of the submissions do not count toward it. Last evaluated 2019-07-25.

Conditions:
RASopathy. Also called: rasopathies; Noonan spectrum disorder. Identifiers: Orphanet 536391, MedGen C5555857, MONDO:0021060.
LEOPARD syndrome 2 (LPRD2). Also called: RAF1-Related LEOPARD Syndrome. Identifiers: Orphanet 500, MedGen C1969056, MONDO:0012691, OMIM 611554.
Noonan syndrome 5 (NS5). Also called: RAF1-Related Noonan Syndrome. Identifiers: Orphanet 648, MedGen C1969057, MONDO:0012690, OMIM 611553. Disease mechanism: gain of function.

Allele frequency attached by ClinVar (database versions not stated): ExAC 0.00011; TOPMed 0.00011; gnomAD 0.00013 and 0.00014; gnomAD exomes 0.00014 and 0.00032; ESP Exome Variant Server 0.00015.
gnomAD v4.1: 474 of 1,608,412 alleles (0.029%); highest among the groups gnomAD compares: Non-Finnish European, 0.038%; no homozygotes.

Submissions (12):

ClinGen RASopathy Variant Curation Expert Panel
Classification: Likely benign for RASopathy. Last evaluated: 2019-07-25. Review status: reviewed by expert panel. Criteria: ClinGen RASopathy ACMG Specifications v1. Collection method: curation. Allele origin: germline. Inheritance: Autosomal dominant inheritance.
Comment: Computational prediction tools and conservation analysis suggest that the c.680+6T>C variant in the RAF1 gene does not impact the protein (BP4). This is an intronic variant at a nucleotide that is not highly conserved and is not predicted to impact splicing (BP7). In addition, this variant is observed in many individuals in the normal population suggesting it is an unlikely cause of a RASopathy (BS1 not met). In summary, this variant meets criteria to be classified as likely benign. RASopathy-specific ACMG/AMP criteria applied (PMID:29493581): BP4, BP7.

Labcorp Genetics (formerly Invitae), Labcorp
Classification: Uncertain significance for RASopathy. Last evaluated: 2026-01-27. Review status: criteria provided, single submitter. Criteria: Invitae Variant Classification Sherloc (09022015). Collection method: clinical testing. Allele origin: germline. Not counted in ClinVar's aggregate classification.
Comment: This sequence change falls in intron 6 of the RAF1 gene. It does not directly change the encoded amino acid sequence of the RAF1 protein. It affects a nucleotide within the consensus splice site. This variant is present in population databases (rs371846795, gnomAD 0.04%), and has an allele count higher than expected for a pathogenic variant. This variant has not been reported in the literature in individuals affected with RAF1-related conditions. ClinVar contains an entry for this variant (Variation ID: 44630). Variants that disrupt the consensus splice site are a relatively common cause of aberrant splicing (PMID: 17576681, 9536098). Algorithms developed to predict the effect of sequence changes on RNA splicing suggest that this variant is not likely to affect RNA splicing. In summary, the available evidence is currently insufficient to determine the role of this variant in disease. Therefore, it has been classified as a Variant of Uncertain Significance.

CeGaT Center for Human Genetics Tuebingen
Classification: Likely benign. Last evaluated: 2025-09-01. Review status: criteria provided, single submitter. Criteria: CeGaT Center For Human Genetics Tuebingen Variant Classification Criteria Version 2. Collection method: clinical testing. Allele origin: germline. Affected: yes. Observed: 1 variant allele. Not counted in ClinVar's aggregate classification.
Comment: RAF1: BP4

Molecular Diagnostic Laboratory for Inherited Cardiovascular Disease, Montreal Heart Institute
Classification: Likely benign. Last evaluated: 2025-07-24. Review status: criteria provided, single submitter. Criteria: ACMG Guidelines, 2015. Collection method: clinical testing. Allele origin: germline. Affected: no. Not counted in ClinVar's aggregate classification.
Comment: BS1

Blueprint Genetics
Classification: Likely benign. Last evaluated: 2024-07-10. Review status: criteria provided, single submitter. Criteria: ACMG Guidelines, 2015. Collection method: clinical testing. Allele origin: germline. Not counted in ClinVar's aggregate classification.

GeneDx
Classification: Likely benign. Last evaluated: 2020-01-09. Review status: criteria provided, single submitter. Criteria: GeneDx Variant Classification Process June 2021. Collection method: clinical testing. Allele origin: germline. Affected: yes. Not counted in ClinVar's aggregate classification.

Women's Health and Genetics/Laboratory Corporation of America, LabCorp
Classification: Benign. Last evaluated: 2019-04-15. Review status: criteria provided, single submitter. Criteria: LabCorp Variant Classification Summary - May 2015. Collection method: clinical testing. Allele origin: germline. Not counted in ClinVar's aggregate classification.
Comment: Variant summary: RAF1 c.680+6T>C alters a non-conserved nucleotide located close to a canonical splice site and therefore could affect mRNA splicing, leading to a significantly altered protein sequence. 3/4 computational tools predict no significant impact on normal splicing. However, these predictions have yet to be confirmed by functional studies. The variant allele was found at a frequency of 0.00014 in 251296 control chromosomes, predominantly at a frequency of 0.00026 within the Non-Finnish European subpopulation in the gnomAD database. The observed variant frequency within Non-Finnish European control individuals in the gnomAD database is approximately 10 fold of the estimated maximal expected allele frequency for a pathogenic variant in RAF1 causing Noonan Syndrome and Related Conditions phenotype (2.5e-05), strongly suggesting that the variant is a benign polymorphism found primarily in populations of Non-Finnish European origin. To our knowledge, no occurrence of c.680+6T>C in individuals affected with Noonan Syndrome and Related Conditions and no experimental evidence demonstrating its impact on protein function have been reported. Four clinical diagnostic laboratories have submitted clinical-significance assessments for this variant to ClinVar after 2014 without evidence for independent evaluation. Multiple laboratories reported the variant with conflicting assessments (2 calling it VUS, and 2 classifying it as likely benign. Based on the evidence outlined above, the variant was classified as benign.

Illumina Laboratory Services, Illumina
Classification: Uncertain significance for Noonan syndrome 5. Last evaluated: 2018-01-13. Review status: criteria provided, single submitter. Criteria: ICSL Variant Classification Criteria 13 December 2019. Collection method: clinical testing. Allele origin: germline. Not counted in ClinVar's aggregate classification.

Illumina Laboratory Services, Illumina
Classification: Benign for LEOPARD syndrome 2. Last evaluated: 2018-01-13. Review status: criteria provided, single submitter. Criteria: ICSL Variant Classification Criteria 13 December 2019. Collection method: clinical testing. Allele origin: germline. Not counted in ClinVar's aggregate classification.
Comment: This variant was observed in the ICSL laboratory as part of a predisposition screen in an ostensibly healthy population. It had not been previously curated by ICSL or reported in the Human Gene Mutation Database (HGMD: prior to June 1st, 2018), and was therefore a candidate for classification through an automated scoring system. Utilizing variant allele frequency, disease prevalence and penetrance estimates, and inheritance mode, an automated score was calculated to assess if this variant is too frequent to cause the disease. Based on the score and internal cut-off values, a variant classified as benign is not then subjected to further curation. The score for this variant resulted in a classification of benign for this disease.

Laboratory for Molecular Medicine, Mass General Brigham Personalized Medicine
Classification: Likely benign. Last evaluated: 2015-04-01. Review status: criteria provided, single submitter. Criteria: LMM Criteria. Collection method: clinical testing. Allele origin: germline. Observed: 3 variant alleles. Not counted in ClinVar's aggregate classification.
Comment: c.680+6T>C in intron 6 of RAF1: This variant is not expected to have clinical si gnificance because a T>C change at this position does not diverge from the splic e consensus sequence and is therefore unlikely to impact splicing. In addition, splicing variants in RAF1 have not been proven to be pathogenic in individuals w ith Noonan spectrum disorders. This variant has been identified in 12/65314 Euro pean chromosomes by the Exome Aggregation Consortium (ExAC; dbSNP rs371846795).

Clinical Genetics DNA and cytogenetics Diagnostics Lab, Erasmus MC, Erasmus Medical Center
Classification: Uncertain significance. Review status: no assertion criteria provided. Collection method: clinical testing. Allele origin: germline. Affected: yes. Study: VKGL Data-share Consensus. Not counted in ClinVar's aggregate classification.

Laboratory of Diagnostic Genome Analysis, Leiden University Medical Center (LUMC)
Classification: Uncertain significance. Review status: no assertion criteria provided. Collection method: clinical testing. Allele origin: germline. Affected: yes. Study: VKGL Data-share Consensus. Not counted in ClinVar's aggregate classification.

Literature cited by the submitters: PubMed 17576681 (cited by Labcorp Genetics (formerly Invitae), Labcorp); PubMed 9536098 (cited by Labcorp Genetics (formerly Invitae), Labcorp).

NM_002880.4(RAF1):c.680+6T>C

Gene: RAF1 (Raf-1 proto-oncogene, serine/threonine kinase; minus strand). Cytogenetic location: 3p25.2.
Variant type: single nucleotide variant.
Coding change: c.680+6T>C on transcript NM_002880.4 (MANE Select); 6 bases into the intron after coding-DNA position 680, T replaced by C.
Molecular consequence: intron variant.
Genome position (GRCh38, 1-based): chr3:12,606,195, A>G on the plus strand (T>C on the coding strand, the complement: RAF1 is on the minus strand). VCF-style: chr3-12606195-A-G. GRCh37 (hg19) VCF-style: chr3-12647694-A-G.
Other names: c.680+6T>C (NM_002880.3, NM_001354689.3, NM_001354690.3); c.339-1906T>C (NM_001354695.3); c.437+6T>C (NM_001354692.3, NM_001354694.3, NM_001354691.3); c.582-1906T>C (NM_001354693.3).
Identifiers: ClinVar variation 44630 (VCV000044630.31), dbSNP rs371846795, ClinGen allele CA134749.
Genomic context (GRCh38, chr3:12,606,195, plus strand): 5'-CTTCAAGCTTCCAACCCCACCACCCCAAATAACTTTCTAAAAGAAAAGCTATAGGTAAAA[A>G]ATTACCTAACAGGCATCCTGGAAACAGACTCTCGCATACGACGCATAGTCAAAGAAGGTA-3'